The following is an entry in ClinVar:

NM_032119.4(ADGRV1):c.8014A>G (p.Ile2672Val)

Gene: ADGRV1 (adhesion G protein-coupled receptor V1; plus strand). Cytogenetic location: 5q14.3.
Variant type: single nucleotide variant.
Coding change: c.8014A>G on transcript NM_032119.4 (MANE Select); coding-DNA position 8014, A replaced by G.
Protein change: p.Ile2672Val; replaces isoleucine 2672 with valine.
Molecular consequence: missense variant. On other transcripts: non-coding transcript variant (1).
Genome position (GRCh38, 1-based): chr5:90,697,005, A>G. VCF-style: chr5-90697005-A-G. GRCh37 (hg19) VCF-style: chr5-89992822-A-G.
Other names: c.8014A>G (NM_032119.3); short protein forms I2672V.
Identifiers: ClinVar variation 2842971 (VCV002842971.5), dbSNP rs769422786, ClinGen allele CA3340146.

ClinVar aggregate classification (germline): Conflicting classifications of pathogenicity. Review status: criteria provided, conflicting classifications (1 of 4 stars). 3 submissions from 3 submitters: Uncertain significance (2); Likely benign (1). Last evaluated 2025-10-22.

Conditions:
ADGRV1-related disorder. Also called: ADGRV1-related condition; ADGRV1-related disorders.

Allele frequency attached by ClinVar (database versions not stated): TOPMed below 0.00001; ExAC 0.00001; gnomAD 0.00001; gnomAD exomes 0.00001.
gnomAD v4.1: 20 of 1,613,310 alleles (0.0012%); highest among the groups gnomAD compares: South Asian, 0.019%; no homozygotes.

Submissions (3):

PreventionGenetics, part of Exact Sciences
Classification: Uncertain significance for ADGRV1-related condition. Last evaluated: 2025-10-22. Review status: criteria provided, single submitter. Criteria: ACMG Guidelines, 2015. Collection method: clinical testing. Allele origin: germline.
Comment: The ADGRV1 c.8014A>G variant is predicted to result in the amino acid substitution p.Ile2672Val. To our knowledge, this variant has not been reported in the literature. This variant is reported in 0.0098% of alleles in individuals of South Asian descent in gnomAD. At this time, the clinical significance of this variant is uncertain due to the absence of conclusive functional and genetic evidence.

Labcorp Genetics (formerly Invitae), Labcorp
Classification: Likely benign. Last evaluated: 2025-06-17. Review status: criteria provided, single submitter. Criteria: Invitae Variant Classification Sherloc (09022015). Collection method: clinical testing. Allele origin: germline.

Blueprint Genetics
Classification: Uncertain significance. Last evaluated: 2023-02-17. Review status: criteria provided, single submitter. Criteria: ACMG Guidelines, 2015. Collection method: clinical testing. Allele origin: germline.